The following is an entry in ClinVar:

ClinVar aggregate classification (germline): Uncertain significance (1 of 4 stars; one submission).

Submission:

Labcorp Genetics (formerly Invitae), Labcorp
Classification: Uncertain significance. Last evaluated: 2025-11-04. Review status: criteria provided, single submitter. Criteria: Invitae Variant Classification Sherloc (09022015). Collection method: clinical testing. Allele origin: germline.
Comment: This variant, c.847_849dup, results in the insertion of 1 amino acid(s) of the MKL1 protein (p.His283dup), but otherwise preserves the integrity of the reading frame. This variant is present in population databases (rs540777747, gnomAD 0.1%), and has an allele count higher than expected for a pathogenic variant. This variant has not been reported in the literature in individuals affected with MKL1-related conditions. Experimental studies and prediction algorithms are not available or were not evaluated, and the functional significance of this variant is currently unknown. In summary, the available evidence is currently insufficient to determine the role of this variant in disease. Therefore, it has been classified as a Variant of Uncertain Significance.

NM_020831.6(MRTFA):c.1144CAC[3] (p.His383dup)

Gene: MRTFA (myocardin related transcription factor A; minus strand). Cytogenetic location: 22q13.1.
Variant type: Microsatellite.
Coding change: c.1144CAC[3] on transcript NM_020831.6 (MANE Select); three copies in a row of the 3-base unit CAC starting at c.1144; the reference has two copies in a row; one copy, 3 bases duplicated.
Protein change: p.His383dup; duplicates histidine 383.
Molecular consequence: inframe insertion.
Genome position (GRCh38, 1-based): chr22:40,420,879-40,420,881, GTG duplicated on the plus strand (CAC on the coding strand, the reverse complement: MRTFA is on the minus strand); duplicating any 3 consecutive bases within chr22:40,420,879-40,420,884 gives the same sequence; the position shown is the placement nearest the transcript's 3' end. VCF-style (leftmost placement, unchanged base first): chr22-40420878-T-TGTG. GRCh37 (hg19) VCF-style: chr22-40816882-T-TGTG.
Other names: c.844CAC[3], p.His283dup (NM_001282660.2); c.994CAC[3], p.His333dup (NM_001282661.3); c.1144CAC[3], p.His383dup (NM_001282662.3); c.949CAC[3], p.His318dup (NM_001318139.2).
Identifiers: ClinVar variation 1683117 (VCV001683117.8), dbSNP rs540777747, ClinGen allele CA10249786.